The following is an entry in ClinVar:

NM_001369.3(DNAH5):c.6731_6732insTAAGAGACAG (p.Lys2244fs)

Gene: DNAH5 (dynein axonemal heavy chain 5; minus strand). Cytogenetic location: 5p15.2.
Variant type: Insertion.
Coding change: c.6731_6732insTAAGAGACAG on transcript NM_001369.3 (MANE Select); coding-DNA positions 6731 to 6732, TAAGAGACAG inserted.
Protein change: p.Lys2244fs; shifts the reading frame from lysine 2244.
Molecular consequence: frameshift variant.
Genome position: GRCh38 VCF-style: chr5-13820455-C-CCTGTCTCTTA. GRCh37 (hg19) VCF-style: chr5-13820564-C-CCTGTCTCTTA.
Other names: short protein forms K2244fs.
Identifiers: ClinVar variation 5010971 (VCV005010971.1).
Genomic context (GRCh38, chr5:13,820,455, plus strand): 5'-ACTGGGCCCCAGAGTCATCATCCCATGTCGCACTCTCTGCGTTTCGAATAGCTGGATGAC[C>CCTGTCTCTTA]TTCAGTTTCCAAGGAGGATGGTTGATTAAACCAGCTTCTTCAACCTGAAAACATAAGAGA-3'

ClinVar aggregate classification (germline): Pathogenic (1 of 4 stars; one submission).

Conditions:
Primary ciliary dyskinesia 3. Identifiers: Orphanet 244, MedGen C1837618, MONDO:0012085, OMIM 608644.

Submission:

Myriad Genetics, Inc.
Classification: Pathogenic for Primary ciliary dyskinesia 3. Last evaluated: 2024-05-14. Review status: criteria provided, single submitter. Criteria: Myriad Autosomal Dominant, Autosomal Recessive and X-Linked Classification Criteria (2023). Collection method: clinical testing. Allele origin: unknown.
Comment: NM_001369.2(DNAH5):c.6731_6732ins10(K2244Nfs*71) is expected to be pathogenic in the context of primary ciliary dyskinesia, DNAH5-related. This variant is predicted to lead to an abnormal or absent protein product due to the creation of a premature termination codon in DNAH5, a gene where loss-of-function variants are known to be pathogenic. Please note: this variant was assessed in the context of healthy population screening.